The following is an entry in ClinVar:

ClinVar aggregate classification (germline): Pathogenic/Likely pathogenic. Review status: criteria provided, multiple submitters, no conflicts (2 of 4 stars). 3 submissions from 3 submitters: Pathogenic (1); Likely pathogenic (2). Last evaluated 2026-02-15.

Conditions:
Catecholaminergic polymorphic ventricular tachycardia 1. Also called: VENTRICULAR TACHYCARDIA, STRESS-INDUCED POLYMORPHIC 1; VENTRICULAR TACHYCARDIA, CATECHOLAMINERGIC POLYMORPHIC, 1, WITH OR WITHOUT ATRIAL DYSFUNCTION AND/OR DILATED CARDIOMYOPATHY; RYR2-Related Catecholaminergic Polymorphic Ventricular Tachycardia. Identifiers: Orphanet 3286, MedGen C1631597, MONDO:0011484, OMIM 604772.

Allele frequency attached by ClinVar (database versions not stated): gnomAD exomes below 0.00001; TOPMed 0.00001; gnomAD 0.00001.
gnomAD v4.1: 3 of 1,560,494 alleles (0.00019%); highest among the groups gnomAD compares: African/African-American, 0.0027%; no homozygotes.

Submissions (3):

GeneDx
Classification: Likely pathogenic. Last evaluated: 2026-02-15. Review status: criteria provided, single submitter. Criteria: GeneDx Variant Classification Process June 2021. Collection method: clinical testing. Allele origin: germline.
Comment: Published functional studies suggest reduced response to adrenergic stimulation; however, it is unclear how these study results may translate to a pathogenic role in vivo (PMID: 34202968); In silico analysis supports that this missense variant has a deleterious effect on protein structure/function; Not observed at significant frequency in large population cohorts (gnomAD); Not located in one of the three hot-spot regions of the RYR2 gene, where the majority of pathogenic missense variants occur (PMID: 19926015); This variant is associated with the following publications: (PMID: 35783865, 38455755, 34202968, 19926015, 35819174)

Women's Health and Genetics/Laboratory Corporation of America, LabCorp
Classification: Likely pathogenic for Catecholaminergic polymorphic ventricular tachycardia 1. Last evaluated: 2024-11-18. Review status: criteria provided, single submitter. Criteria: LabCorp Variant Classification Summary - May 2015. Collection method: clinical testing. Allele origin: germline.
Comment: Variant summary: RYR2 c.9872A>T (p.Asp3291Val) results in a non-conservative amino acid change in the encoded protein sequence. Four of five in-silico tools predict a damaging effect of the variant on protein function. The variant allele was found at a frequency of 4.4e-06 in 225210 control chromosomes. c.9872A>T has been reported in the literature in individuals affected with Catecholaminergic Polymorphic Ventricular Tachycardia (Blancard_2021). These data indicate that the variant is likely to be associated with disease. One publication reports experimental evidence showing a reduced response to adrenergic stimulation in vitro, however, these results do now allow convincing conclusions about the variant effect in vivo (Blancard_2021). The following publications have been ascertained in the context of this evaluation (PMID: 34202968, 35819174). ClinVar contains an entry for this variant (Variation ID: 649240). Based on the evidence outlined above, the variant was classified as likely pathogenic.

Labcorp Genetics (formerly Invitae), Labcorp
Classification: Pathogenic for Catecholaminergic polymorphic ventricular tachycardia 1. Last evaluated: 2024-10-07. Review status: criteria provided, single submitter. Criteria: Invitae Variant Classification Sherloc (09022015). Collection method: clinical testing. Allele origin: germline.
Comment: This sequence change replaces aspartic acid, which is acidic and polar, with valine, which is neutral and non-polar, at codon 3291 of the RYR2 protein (p.Asp3291Val). This variant is not present in population databases (gnomAD no frequency). This missense change has been observed in individual(s) with autosomal dominant catecholaminergic polymorphic ventricular tachycardia (PMID: 34202968). It has also been observed to segregate with disease in related individuals. ClinVar contains an entry for this variant (Variation ID: 649240). Invitae Evidence Modeling of protein sequence and biophysical properties (such as structural, functional, and spatial information, amino acid conservation, physicochemical variation, residue mobility, and thermodynamic stability) has been performed for this missense variant. However, the output from this modeling did not meet the statistical confidence thresholds required to predict the impact of this variant on RYR2 protein function. Experimental studies have shown that this missense change affects RYR2 function (PMID: 34202968). For these reasons, this variant has been classified as Pathogenic.

Literature cited by the submitters: PubMed 35819174 (cited by Women's Health and Genetics/Laboratory Corporation of America, LabCorp); PubMed 34202968 (cited by Women's Health and Genetics/Laboratory Corporation of America, LabCorp and Labcorp Genetics (formerly Invitae), Labcorp).

NM_001035.3(RYR2):c.9872A>T (p.Asp3291Val)

Gene: RYR2 (ryanodine receptor 2; plus strand). Cytogenetic location: 1q43.
Variant type: single nucleotide variant.
Coding change: c.9872A>T on transcript NM_001035.3 (MANE Select); coding-DNA position 9872, A replaced by T.
Protein change: p.Asp3291Val; replaces aspartic acid 3291 with valine.
Molecular consequence: missense variant.
Genome position (GRCh38, 1-based): chr1:237,707,240, A>T. VCF-style: chr1-237707240-A-T. GRCh37 (hg19) VCF-style: chr1-237870540-A-T.
Other names: c.9872A>T, p.Asp3291Val (LRG_402t1); short protein forms D3291V.
Identifiers: ClinVar variation 649240 (VCV000649240.13), dbSNP rs1209752961, ClinGen allele CA345409491.